The following is an entry in ClinVar:

NM_000388.4(CASR):c.3135G>C (p.Glu1045Asp)

Gene: CASR (calcium sensing receptor; plus strand). Cytogenetic location: 3q21.1.
Variant type: single nucleotide variant.
Coding change: c.3135G>C on transcript NM_000388.4 (MANE Select); coding-DNA position 3135, G replaced by C.
Protein change: p.Glu1045Asp; replaces glutamic acid 1045 with aspartic acid.
Molecular consequence: missense variant.
Genome position (GRCh38, 1-based): chr3:122,285,089, G>C. VCF-style: chr3-122285089-G-C. GRCh37 (hg19) VCF-style: chr3-122003936-G-C.
Other names: c.3165G>C, p.Glu1055Asp (NM_001178065.2); short protein forms E1045D, E1055D.
Identifiers: ClinVar variation 1058527 (VCV001058527.10), dbSNP rs765519865, ClinGen allele CA2569938.

ClinVar aggregate classification (germline): Uncertain significance. Review status: criteria provided, multiple submitters, no conflicts (2 of 4 stars). 2 submissions from 2 submitters: Uncertain significance (2). Last evaluated 2024-01-24.

Conditions:
Familial hypocalciuric hypercalcemia (FHH). Also called: Familial benign hypercalcemia. Identifiers: Orphanet 405, MedGen C1809471, MONDO:0018458.
Autosomal dominant hypocalcemia 1 (HYPOC1). Also called: HYPOCALCEMIA, FAMILIAL. Identifiers: MedGen C3715128, MONDO:0011013, OMIM 601198.
Neonatal severe primary hyperparathyroidism. Identifiers: Orphanet 417, MedGen C1832615, MONDO:0009397, OMIM 239200.
Familial hypocalciuric hypercalcemia 1. Also called: Hypercalcemia, familial benign type 1. Identifiers: Orphanet 405, Orphanet 93372, MedGen C0342637, MONDO:0007791, OMIM 145980.
Epilepsy, idiopathic generalized, susceptibility to, 8. Identifiers: MedGen C2752062, MONDO:0013032, OMIM 612899.

Allele frequency attached by ClinVar (database versions not stated): TOPMed 0.00002.
gnomAD v4.1: 2 of 1,614,112 alleles (0.00012%); highest among the groups gnomAD compares: Admixed American, 0.0033%; no homozygotes.

Submissions (2):

Fulgent Genetics
Classification: Uncertain significance for Familial hypocalciuric hypercalcemia 1; Neonatal severe primary hyperparathyroidism; Autosomal dominant hypocalcemia 1; Epilepsy, idiopathic generalized, susceptibility to, 8. Last evaluated: 2024-01-24. Review status: criteria provided, single submitter. Criteria: ACMG Guidelines, 2015. Collection method: clinical testing. Allele origin: germline.

Labcorp Genetics (formerly Invitae), Labcorp
Classification: Uncertain significance for Familial hypocalciuric hypercalcemia; Autosomal dominant hypocalcemia 1. Last evaluated: 2023-06-23. Review status: criteria provided, single submitter. Criteria: Invitae Variant Classification Sherloc (09022015). Collection method: clinical testing. Allele origin: germline.
Comment: This variant is present in population databases (rs765519865, gnomAD 0.003%). This sequence change replaces glutamic acid, which is acidic and polar, with aspartic acid, which is acidic and polar, at codon 1045 of the CASR protein (p.Glu1045Asp). In summary, the available evidence is currently insufficient to determine the role of this variant in disease. Therefore, it has been classified as a Variant of Uncertain Significance. An algorithm developed to predict the effect of missense changes on protein structure and function (PolyPhen-2) suggests that this variant is likely to be tolerated. ClinVar contains an entry for this variant (Variation ID: 1058527). This variant has not been reported in the literature in individuals affected with CASR-related conditions.